The following is an entry in ClinVar:

ClinVar aggregate classification (germline): Uncertain significance. Review status: criteria provided, multiple submitters, no conflicts (2 of 4 stars). 3 submissions from 3 submitters: Uncertain significance (3). Last evaluated 2025-06-09.

Conditions:
Developmental delay, hypotonia, musculoskeletal defects, and behavioral abnormalities. Identifiers: MedGen C5562012, MONDO:0859202, OMIM 619595.
Floating-Harbor syndrome (FLHS). Also called: SRCAP-Related Floating-Harbor Syndrome; Short stature with delayed bone age, expressive language delay, a triangular face with a prominent nose and deep-set eyes; Pelletier-Leisti syndrome. Identifiers: Orphanet 2044, MedGen C0729582, MONDO:0007621, OMIM 136140.
Inborn genetic diseases. Identifiers: MedGen C0950123, MeSH D030342.

gnomAD v4.1: 2 of 1,602,822 alleles (0.00012%); highest among the groups gnomAD compares: African/African-American, 0.0027%; no homozygotes.

Submissions (3):

Labcorp Genetics (formerly Invitae), Labcorp
Classification: Uncertain significance. Last evaluated: 2025-06-09. Review status: criteria provided, single submitter. Criteria: Invitae Variant Classification Sherloc (09022015). Collection method: clinical testing. Allele origin: germline.
Comment: This sequence change replaces proline, which is neutral and non-polar, with alanine, which is neutral and non-polar, at codon 2461 of the SRCAP protein (p.Pro2461Ala). This variant is not present in population databases (gnomAD no frequency). This variant has not been reported in the literature in individuals affected with SRCAP-related conditions. ClinVar contains an entry for this variant (Variation ID: 3449240). Invitae Evidence Modeling of protein sequence and biophysical properties (such as structural, functional, and spatial information, amino acid conservation, physicochemical variation, residue mobility, and thermodynamic stability) indicates that this missense variant is not expected to disrupt SRCAP protein function with a negative predictive value of 80%. In summary, the available evidence is currently insufficient to determine the role of this variant in disease. Therefore, it has been classified as a Variant of Uncertain Significance.

Ambry Genetics
Classification: Uncertain significance for Inborn genetic diseases. Last evaluated: 2024-11-13. Review status: criteria provided, single submitter. Criteria: Ambry Variant Classification Scheme 2023. Collection method: clinical testing. Allele origin: germline.

Fulgent Genetics
Classification: Uncertain significance for Floating-Harbor syndrome; Developmental delay, hypotonia, musculoskeletal defects, and behavioral abnormalities. Last evaluated: 2024-06-21. Review status: criteria provided, single submitter. Criteria: ACMG Guidelines, 2015. Collection method: clinical testing. Allele origin: germline.

NM_006662.3(SRCAP):c.7381C>G (p.Pro2461Ala)

Gene: SRCAP (Snf2 related CREBBP activator protein; plus strand). Cytogenetic location: 16p11.2.
Variant type: single nucleotide variant.
Coding change: c.7381C>G on transcript NM_006662.3 (MANE Select); coding-DNA position 7381, C replaced by G.
Protein change: p.Pro2461Ala; replaces proline 2461 with alanine.
Molecular consequence: missense variant.
Genome position (GRCh38, 1-based): chr16:30,737,421, C>G. VCF-style: chr16-30737421-C-G. GRCh37 (hg19) VCF-style: chr16-30748742-C-G.
Other names: short protein forms P2461A.
Identifiers: ClinVar variation 3449240 (VCV003449240.4).